The following is an entry in ClinVar:

ClinVar aggregate classification (germline): Uncertain significance (1 of 4 stars; one submission).

Allele frequency attached by ClinVar (database versions not stated): TOPMed below 0.00001.
gnomAD v4.1: 2 of 1,613,990 alleles (0.00012%); highest among the groups gnomAD compares: African/African-American, 0.0027%; no homozygotes.

Submission:

Labcorp Genetics (formerly Invitae), Labcorp
Classification: Uncertain significance. Last evaluated: 2023-12-23. Review status: criteria provided, single submitter. Criteria: Invitae Variant Classification Sherloc (09022015). Collection method: clinical testing. Allele origin: germline.
Comment: This sequence change replaces arginine, which is basic and polar, with leucine, which is neutral and non-polar, at codon 1549 of the SZT2 protein (p.Arg1549Leu). This variant is not present in population databases (gnomAD no frequency). This variant has not been reported in the literature in individuals affected with SZT2-related conditions. Advanced modeling of protein sequence and biophysical properties (such as structural, functional, and spatial information, amino acid conservation, physicochemical variation, residue mobility, and thermodynamic stability) performed at Invitae indicates that this missense variant is not expected to disrupt SZT2 protein function with a negative predictive value of 80%. In summary, the available evidence is currently insufficient to determine the role of this variant in disease. Therefore, it has been classified as a Variant of Uncertain Significance.

NM_001365999.1(SZT2):c.4817G>T (p.Arg1606Leu)

Gene: SZT2 (SZT2 subunit of KICSTOR complex; plus strand). Cytogenetic location: 1p34.2.
Variant type: single nucleotide variant.
Coding change: c.4817G>T on transcript NM_001365999.1 (MANE Select); coding-DNA position 4817, G replaced by T.
Protein change: p.Arg1606Leu; replaces arginine 1606 with leucine.
Molecular consequence: missense variant.
Genome position (GRCh38, 1-based): chr1:43,430,991, G>T. VCF-style: chr1-43430991-G-T. GRCh37 (hg19) VCF-style: chr1-43896662-G-T.
Other names: c.4646G>T, p.Arg1549Leu (NM_015284.4); short protein forms R1549L, R1606L.
Identifiers: ClinVar variation 2795921 (VCV002795921.3), dbSNP rs1471308449, ClinGen allele CA340022790.
Genomic context (GRCh38, chr1:43,430,991, plus strand): 5'-ACTTTCCCCCTCTCCCAGGCCAGGTGCTTTCCAGTCTGGAGGGCCCCCCAGTTGGAGGCC[G>T]AGTTCCCTTGAGGGACCTCAGTGTGACTCTGGATGTCTTCATGCTGACTTTGCCCCTGGA-3'
Protein context (NP_001352928.1, residues 1596-1616): SSLEGPPVGG[Arg1606Leu]VPLRDLSVTL